The following is an entry in ClinVar:

NM_004415.4(DSP):c.8152C>A (p.Leu2718Ile)

Gene: DSP (desmoplakin; plus strand). Cytogenetic location: 6p24.3.
Variant type: single nucleotide variant.
Coding change: c.8152C>A on transcript NM_004415.4 (MANE Select); coding-DNA position 8152, C replaced by A.
Protein change: p.Leu2718Ile; replaces leucine 2718 with isoleucine.
Molecular consequence: missense variant.
Genome position (GRCh38, 1-based): chr6:7,585,414, C>A. VCF-style: chr6-7585414-C-A. GRCh37 (hg19) VCF-style: chr6-7585647-C-A.
Other names: c.6355C>A, p.Leu2119Ile (NM_001008844.3); c.6823C>A, p.Leu2275Ile (NM_001319034.2); c.8152C>A (NM_004415.3); short protein forms L2718I, L2119I, L2275I.
Identifiers: ClinVar variation 178961 (VCV000178961.16), dbSNP rs727504569, ClinGen allele CA007395.

ClinVar aggregate classification (germline): Conflicting classifications of pathogenicity. Review status: criteria provided, conflicting classifications (1 of 4 stars). 5 submissions from 5 submitters: Uncertain significance (4); Likely benign (1). Last evaluated 2026-06-06.

Conditions:
DSP-related disorder. Also called: DSP-related condition; DSP-related disorders.
Cardiovascular phenotype. Identifiers: MedGen CN230736.
Arrhythmogenic cardiomyopathy with wooly hair and keratoderma. Also called: Carvajal syndrome; Dilated cardiomyopathy with woolly hair and keratoderma; PALMOPLANTAR KERATODERMA WITH LEFT VENTRICULAR CARDIOMYOPATHY AND WOOLLY HAIR; Arrhythmogenic cardiomyopathy with woolly hair and keratoderma. Identifiers: Orphanet 65282, MedGen C1854063, MONDO:0011581, OMIM 605676.
Arrhythmogenic right ventricular dysplasia 8 (ARVD8). Also called: Arrhythmogenic Right Ventricular Dysplasia/Cardiomyopathy 8; ARRHYTHMOGENIC RIGHT VENTRICULAR CARDIOMYOPATHY 8; ARRHYTHMOGENIC RIGHT VENTRICULAR DYSPLASIA, FAMILIAL, 8. Identifiers: MedGen C1843896, MONDO:0011831, OMIM 607450.

Allele frequency attached by ClinVar (database versions not stated): gnomAD 0.00001; TOPMed 0.00001.
gnomAD v4.1: 6 of 1,614,020 alleles (0.00037%); highest among the groups gnomAD compares: African/African-American, 0.008%; no homozygotes.

Submissions (5):

PreventionGenetics, part of Exact Sciences
Classification: Uncertain significance for DSP-related condition. Last evaluated: 2026-06-06. Review status: criteria provided, single submitter. Criteria: ACMG Guidelines, 2015. Collection method: clinical testing. Allele origin: germline.
Comment: The DSP c.8152C>A variant is predicted to result in the amino acid substitution p.Leu2718Ile. To our knowledge, this variant has not been reported in the literature. This variant is reported in 0.0062% of alleles in individuals of African descent in gnomAD. At this time, the clinical significance of this variant is uncertain due to the absence of conclusive functional and genetic evidence.

Labcorp Genetics (formerly Invitae), Labcorp
Classification: Likely benign for Arrhythmogenic cardiomyopathy with wooly hair and keratoderma; Arrhythmogenic right ventricular dysplasia 8. Last evaluated: 2024-07-01. Review status: criteria provided, single submitter. Criteria: Invitae Variant Classification Sherloc (09022015). Collection method: clinical testing. Allele origin: germline.

All of Us Research Program, National Institutes of Health
Classification: Uncertain significance for Arrhythmogenic cardiomyopathy with wooly hair and keratoderma. Last evaluated: 2023-12-18. Review status: criteria provided, single submitter. Criteria: ACMG Guidelines, 2015. Collection method: clinical testing. Allele origin: germline. Inheritance: Autosomal dominant inheritance. Observed: 3 variant alleles, 3 heterozygotes.
Comment: This missense variant replaces leucine with isoleucine at codon 2718 of the DSP protein. Computational prediction suggests that this variant may not impact protein structure and function (internally defined REVEL score threshold <= 0.5, PMID: 27666373). To our knowledge, functional studies have not been reported for this variant. This variant has not been reported in individuals affected with DSP-related disorders in the literature. This variant has been identified in 1/251448 chromosomes in the general population by the Genome Aggregation Database (gnomAD). The available evidence is insufficient to determine the role of this variant in disease conclusively. Therefore, this variant is classified as a Variant of Uncertain Significance.

This study involves interpretation of variants in research participants for the purpose of population health screening. Participant phenotype was not available at the time of variant classification. Additional details can be found in publication PMID: 35346344, PMCID: PMC8962531

Ambry Genetics
Classification: Uncertain significance for Cardiovascular phenotype. Last evaluated: 2022-04-11. Review status: criteria provided, single submitter. Criteria: Ambry Variant Classification Scheme 2023. Collection method: clinical testing. Allele origin: germline.
Comment: The p.L2718I variant (also known as c.8152C>A), located in coding exon 24 of the DSP gene, results from a C to A substitution at nucleotide position 8152. The leucine at codon 2718 is replaced by isoleucine, an amino acid with highly similar properties. This amino acid position is conserved. In addition, this alteration is predicted to be tolerated by in silico analysis. Since supporting evidence is limited at this time, the clinical significance of this alteration remains unclear.

Laboratory for Molecular Medicine, Mass General Brigham Personalized Medicine
Classification: Uncertain significance. Last evaluated: 2013-05-24. Review status: criteria provided, single submitter. Criteria: LMM Criteria. Collection method: clinical testing. Allele origin: germline. Observed: 1 variant allele.
Comment: The Leu2718Ile variant in DSP has not been reported in individuals with cardiomy opathy or in large population studies. Computational analyses (biochemical amino acid properties, conservation, AlignGVGD, PolyPhen2, and SIFT) do not provide s trong support for or against an impact to the protein. Additional information is needed to fully assess the clinical significance of this variant.